The following is an entry in ClinVar:

ClinVar aggregate classification (germline): Uncertain significance. Review status: criteria provided, multiple submitters, no conflicts (2 of 4 stars). 2 submissions from 2 submitters: Uncertain significance (2). Last evaluated 2018-02-27.

Conditions:
Cardiovascular phenotype. Identifiers: MedGen CN230736.

gnomAD v4.1: 2 of 1,575,964 alleles (0.00013%); highest among the groups gnomAD compares: African/African-American, 0.0013%; no homozygotes.

Submissions (2):

Ambry Genetics
Classification: Uncertain significance for Cardiovascular phenotype. Last evaluated: 2018-02-27. Review status: criteria provided, single submitter. Criteria: Ambry Variant Classification Scheme 2023. Collection method: clinical testing. Allele origin: germline.
Comment: The p.P7178A variant (also known as c.21532C>G), located in coding exon 87 of the TTN gene, results from a C to G substitution at nucleotide position 21532. The proline at codon 7178 is replaced by alanine, an amino acid with highly similar properties. This amino acid position is not well conserved in available vertebrate species, and alanine is the reference amino acid in other vertebrate species. In addition, this alteration is predicted to be tolerated by in silico analysis. Since supporting evidence is limited at this time, the clinical significance of this alteration remains unclear.

Eurofins Ntd Llc (ga)
Classification: Uncertain significance. Last evaluated: 2017-05-08. Review status: criteria provided, single submitter. Criteria: EGL Classification Definitions 2015. Collection method: clinical testing. Allele origin: germline. Observed: 1 variant allele.

NM_001267550.2(TTN):c.48727C>G (p.Pro16243Ala)

Genes: TTN-AS1 (TTN antisense RNA 1; plus strand), TTN (titin; minus strand), LOC126806426 (BRD4-independent group 4 enhancer GRCh37_chr2:179478848-179480047; plus strand). Cytogenetic location: 2q31.2.
Variant type: single nucleotide variant.
Coding change: c.48727C>G on transcript NM_001267550.2 (MANE Select); coding-DNA position 48727, C replaced by G.
Protein change: p.Pro16243Ala; replaces proline 16243 with alanine.
Molecular consequence: missense variant.
Genome position (GRCh38, 1-based): chr2:178,614,880, G>C on the plus strand (C>G on the coding strand, the complement: TTN is on the minus strand). VCF-style: chr2-178614880-G-C. GRCh37 (hg19) VCF-style: chr2-179479607-G-C.
Other names: c.43804C>G, p.Pro14602Ala (NM_001256850.1); c.21532C>G, p.Pro7178Ala (NM_003319.4); c.41023C>G, p.Pro13675Ala (NM_133378.4); c.21907C>G, p.Pro7303Ala (NM_133432.3); c.22108C>G, p.Pro7370Ala (NM_133437.4); short protein forms P13675A, P16243A, P14602A, P7178A, P7303A, P7370A.
Identifiers: ClinVar variation 501926 (VCV000501926.7), dbSNP rs72677242, ClinGen allele CA349608279.